The following is an entry in ClinVar:

ClinVar aggregate classification (germline): Uncertain significance. Review status: criteria provided, multiple submitters, no conflicts (2 of 4 stars). 2 submissions from 2 submitters: Uncertain significance (2). Last evaluated 2022-08-06.

Conditions:
Epidermolysis bullosa simplex with nail dystrophy (EBS5D). Identifiers: MedGen C4225309, MONDO:0014661, OMIM 616487.
Epidermolysis bullosa simplex 5B, with muscular dystrophy (EBS5B). Also called: EPIDERMOLYSIS BULLOSA SIMPLEX AND LIMB-GIRDLE MUSCULAR DYSTROPHY; Epidermolysis bullosa simplex with muscular dystrophy. Identifiers: Orphanet 257, MedGen C2931072, MONDO:0009181, OMIM 226670.
Epidermolysis bullosa simplex, Ogna type (EBS5A). Also called: Pidermolysis bullosa simplex 5A, Ogna type; EPIDERMOLYSIS BULLOSA SIMPLEX 5A, OGNA TYPE. Identifiers: Orphanet 79401, MedGen C0432317, MONDO:0007555, OMIM 131950.
Epidermolysis bullosa simplex 5C, with pyloric atresia (EBS5C). Also called: PLEC-Related Epidermolysis Bullosa with Pyloric Atresia; Epidermolysis bullosa simplex with pyloric atresia; PLEC1-Related Epidermolysis Bullosa with Pyloric Atresia. Identifiers: Orphanet 158684, MedGen C2677349, MONDO:0012807, OMIM 612138.
Autosomal recessive limb-girdle muscular dystrophy type 2Q (LGMDR17). Also called: MUSCULAR DYSTROPHY, LIMB-GIRDLE, AUTOSOMAL RECESSIVE 17. Identifiers: Orphanet 254361, MedGen C3150989, MONDO:0013390, OMIM 613723.
Inborn genetic diseases. Identifiers: MedGen C0950123, MeSH D030342.

Allele frequency attached by ClinVar (database versions not stated): gnomAD exomes below 0.00001; TOPMed below 0.00001.
gnomAD v4.1: 1 of 1,612,014 alleles (0.000062%); highest among the groups gnomAD compares: Middle Eastern, 0.016%; no homozygotes.

Submissions (2):

Labcorp Genetics (formerly Invitae), Labcorp
Classification: Uncertain significance for Autosomal recessive limb-girdle muscular dystrophy type 2Q; Epidermolysis bullosa simplex, Ogna type; Epidermolysis bullosa simplex with nail dystrophy; Epidermolysis bullosa simplex 5C, with pyloric atresia; Epidermolysis bullosa simplex 5B, with muscular dystrophy. Last evaluated: 2022-08-06. Review status: criteria provided, single submitter. Criteria: Invitae Variant Classification Sherloc (09022015). Collection method: clinical testing. Allele origin: germline.
Comment: This sequence change replaces serine, which is neutral and polar, with phenylalanine, which is neutral and non-polar, at codon 2938 of the PLEC protein (p.Ser2938Phe). This variant is not present in population databases (gnomAD no frequency). This variant has not been reported in the literature in individuals affected with PLEC-related conditions. ClinVar contains an entry for this variant (Variation ID: 1022456). Algorithms developed to predict the effect of missense changes on protein structure and function are either unavailable or do not agree on the potential impact of this missense change (SIFT: "Deleterious"; PolyPhen-2: "Probably Damaging"; Align-GVGD: "Class C15"). In summary, the available evidence is currently insufficient to determine the role of this variant in disease. Therefore, it has been classified as a Variant of Uncertain Significance.

Ambry Genetics
Classification: Uncertain significance for Inborn genetic diseases. Last evaluated: 2022-05-11. Review status: criteria provided, single submitter. Criteria: Ambry Variant Classification Scheme 2023. Collection method: clinical testing. Allele origin: germline.

NM_201384.3(PLEC):c.8732C>T (p.Ser2911Phe)

Gene: PLEC (plectin; minus strand). Cytogenetic location: 8q24.3.
Variant type: single nucleotide variant.
Coding change: c.8732C>T on transcript NM_201384.3 (MANE Select); coding-DNA position 8732, C replaced by T.
Protein change: p.Ser2911Phe; replaces serine 2911 with phenylalanine.
Molecular consequence: missense variant.
Genome position (GRCh38, 1-based): chr8:143,921,089, G>A on the plus strand (C>T on the coding strand, the complement: PLEC is on the minus strand). VCF-style: chr8-143921089-G-A. GRCh37 (hg19) VCF-style: chr8-144995257-G-A.
Other names: c.8813C>T, p.Ser2938Phe (NM_000445.5); c.8690C>T, p.Ser2897Phe (NM_201378.4); c.8666C>T, p.Ser2889Phe (NM_201379.3); c.9143C>T, p.Ser3048Phe (NM_201380.4); c.8636C>T, p.Ser2879Phe (NM_201381.3); c.8732C>T, p.Ser2911Phe (NM_201382.4); c.8744C>T, p.Ser2915Phe (NM_201383.3); c.8813C>T (NM_000445.3); short protein forms S2879F, S2889F, S2897F, S2911F, S2915F, S2938F, S3048F.
Identifiers: ClinVar variation 1022456 (VCV001022456.7), dbSNP rs1822496641, ClinGen allele CA372515449.